The following is an entry in ClinVar:

NM_000548.5(TSC2):c.1839+1G>T

Gene: TSC2 (TSC complex subunit 2; plus strand). Cytogenetic location: 16p13.3.
Variant type: single nucleotide variant.
Coding change: c.1839+1G>T on transcript NM_000548.5 (MANE Select); the canonical splice donor site of the intron after coding-DNA position 1839, G replaced by T.
Molecular consequence: splice donor variant.
Genome position (GRCh38, 1-based): chr16:2,070,579, G>T. VCF-style: chr16-2070579-G-T. GRCh37 (hg19) VCF-style: chr16-2120580-G-T.
Other names: c.1839+1G>T (NM_001114382.3, NM_001406663.1, NM_001406664.1 and 6 more transcripts); c.495+1G>T (NM_001406694.1, NM_001406695.1, NM_001406696.1 and 6 more transcripts); c.1827+1G>T (NM_001406671.1, NM_001406673.1); c.1377+1G>T (NM_001406681.1); c.1728+1G>T (NM_001406670.1, NM_001318827.2, NM_001406678.1); c.1239+1G>T (NM_001406682.1, NM_001406684.1, NM_001406685.1 and 6 more transcripts); c.1782+1G>T (NM_001406677.1); c.1692+1G>T (NM_001406675.1, NM_001406676.1, NM_001318829.2 and 1 more transcripts); and 3 more.
Identifiers: ClinVar variation 50178 (VCV000050178.5), dbSNP rs45438400, ClinGen allele CA015948.

ClinVar aggregate classification (germline): Pathogenic. Review status: criteria provided, multiple submitters, no conflicts (2 of 4 stars). 3 submissions from 3 submitters: Pathogenic (2). 1 of the submissions does not count toward it. Last evaluated 2022-11-24.

Conditions:
Tuberous sclerosis 2 (TSC2). Identifiers: Orphanet 805, MedGen C1860707, MONDO:0013199, OMIM 613254.
Tuberous sclerosis syndrome (TSC). Also called: Tuberous Sclerosis Complex; Tuberous sclerosis. Identifiers: Orphanet 805, MedGen C0041341, MONDO:0001734.

Submissions (3):

Labcorp Genetics (formerly Invitae), Labcorp
Classification: Pathogenic for Tuberous sclerosis 2. Last evaluated: 2022-11-24. Review status: criteria provided, single submitter. Criteria: Invitae Variant Classification Sherloc (09022015). Collection method: clinical testing. Allele origin: germline.
Comment: For these reasons, this variant has been classified as Pathogenic. Algorithms developed to predict the effect of sequence changes on RNA splicing suggest that this variant may disrupt the consensus splice site. ClinVar contains an entry for this variant (Variation ID: 50178). This variant is also known as IVS16+1G>T. Disruption of this splice site has been observed in individuals with tuberous sclerosis complex (PMID: 15798777, 18410267, 25782670; Invitae). This variant is not present in population databases (gnomAD no frequency). This sequence change affects a donor splice site in intron 17 of the TSC2 gene. It is expected to disrupt RNA splicing. Variants that disrupt the donor or acceptor splice site typically lead to a loss of protein function (PMID: 16199547), and loss-of-function variants in TSC2 are known to be pathogenic (PMID: 10205261, 17304050).

GeneDx
Classification: Pathogenic. Last evaluated: 2018-12-03. Review status: criteria provided, single submitter. Criteria: GeneDx Variant Classification (06012015). Collection method: clinical testing. Allele origin: germline. Affected: yes.
Comment: The c.1839+1 G>T splice site variant in the TSC2 gene has been reported multiple timespreviously reported in association with TSC (Crino et al., 2010; TSC2 LOVD). This pathogenic variant destroys the canonical splice donor site in intron 17, and is expected to cause abnormal gene splicing. The c.1839+1 G>T variant is not observed in large population cohorts (Lek et al., 2016; 1000 Genomes Consortium et al., 2015; Exome Variant Server).

Tuberous sclerosis database (TSC2)
No classification provided. Condition: TSC. Review status: no classification provided. Criteria: Tuberous Sclerosis Database Assertion Criteria 2015. Collection method: curation. Allele origin: germline. Affected: yes. Not counted in ClinVar's aggregate classification.

Literature cited by the submitters: PubMed 15798777 (cited by Labcorp Genetics (formerly Invitae), Labcorp); PubMed 18410267 (cited by Labcorp Genetics (formerly Invitae), Labcorp); PubMed 25782670 (cited by Labcorp Genetics (formerly Invitae), Labcorp); PubMed 16199547 (cited by Labcorp Genetics (formerly Invitae), Labcorp); PubMed 10205261 (cited by Labcorp Genetics (formerly Invitae), Labcorp); PubMed 17304050 (cited by Labcorp Genetics (formerly Invitae), Labcorp).